The following is an entry in ClinVar:

NM_001845.6(COL4A1):c.4006G>A (p.Val1336Ile)

Gene: COL4A1 (collagen type IV alpha 1 chain; minus strand). Cytogenetic location: 13q34.
Variant type: single nucleotide variant.
Coding change: c.4006G>A on transcript NM_001845.6 (MANE Select); coding-DNA position 4006, G replaced by A.
Protein change: p.Val1336Ile; replaces valine 1336 with isoleucine.
Molecular consequence: missense variant.
Genome position (GRCh38, 1-based): chr13:110,166,247, C>T on the plus strand (G>A on the coding strand, the complement: COL4A1 is on the minus strand). VCF-style: chr13-110166247-C-T. GRCh37 (hg19) VCF-style: chr13-110818594-C-T.
Other names: short protein forms V1336I.
Identifiers: ClinVar variation 2097707 (VCV002097707.34), dbSNP rs202209298, ClinGen allele CA7047068.

ClinVar aggregate classification (germline): Conflicting classifications of pathogenicity. Review status: criteria provided, conflicting classifications (1 of 4 stars). 7 submissions from 7 submitters: Uncertain significance (3); Likely benign (4). Last evaluated 2026-06-02.

Conditions:
Autosomal dominant familial hematuria-retinal arteriolar tortuosity-contractures syndrome. Also called: Hereditary Angiopathy with Nephropathy, Aneurysms, and Muscle Cramps (HANAC) Syndrome; Angiopathy, hereditary, with nephropathy, aneurysms, and muscle cramps. Identifiers: Orphanet 73229, MedGen C2673195, MONDO:0012726, OMIM 611773.
Hemorrhage, intracerebral, susceptibility to (ICH). Also called: Stroke, hemorrhagic, susceptibility to. Identifiers: MedGen C3281105, MONDO:0100533, OMIM 614519.
Retinal arterial tortuosity. Also called: Retinal arteries, tortuosity of; RETINAL HEMORRHAGE WITH VASCULAR TORTUOSITY. Identifiers: Orphanet 75326, MedGen C0423401, MONDO:0008373, OMIM 180000, HP:0000631.
Microangiopathy and leukoencephalopathy, pontine, autosomal dominant. Also called: Pontine autosomal dominant microangiopathy with leukoencephalopathy; DEMENTIA, HEREDITARY MULTI-INFARCT, SWEDISH TYPE. Identifiers: Orphanet 477749, MedGen C5231411, MONDO:0032814, OMIM 618564.
Brain small vessel disease 1 with or without ocular anomalies (BSVD1). Also called: GOULD SYNDROME 1; Brain small vessel disease with or without ocular anomalies; PORENCEPHALY, TYPE 1, AUTOSOMAL DOMINANT; BRAIN SMALL VESSEL DISEASE WITH HEMORRHAGE. Identifiers: Orphanet 2940, Orphanet 36383, Orphanet 99810, MedGen C4755307, MONDO:0008289, OMIM 175780.
Inborn genetic diseases. Identifiers: MedGen C0950123, MeSH D030342.

Allele frequency attached by ClinVar (database versions not stated): gnomAD exomes 0.00005; ExAC 0.00007; gnomAD 0.00007; ESP Exome Variant Server 0.00008; TOPMed 0.00009; 1000 Genomes Project 30x 0.00016; 1000 Genomes Project 0.00020.
gnomAD v4.1: 84 of 1,607,786 alleles (0.0052%); highest among the groups gnomAD compares: Middle Eastern, 0.033%; no homozygotes.

Submissions (7):

Women's Health and Genetics/Laboratory Corporation of America, LabCorp
Classification: Uncertain significance. Last evaluated: 2026-06-02. Review status: criteria provided, single submitter. Criteria: LabCorp Variant Classification Summary - May 2015. Collection method: clinical testing. Allele origin: germline.
Comment: Variant summary: COL4A1 c.4006G>A (p.Val1336Ile) results in a conservative amino acid change in the encoded protein sequence. Algorithms developed to predict the effect of missense changes on protein structure and function all suggest that this variant is likely to be tolerated. The variant allele was found at a frequency of 5.6e-05 in 251490 control chromosomes. This frequency is not significantly higher than estimated for disease-causing variants in COL4A1, allowing no conclusion about variant significance. To our knowledge, no occurrence of c.4006G>A in individuals affected with COL4A1-related conditions and no experimental evidence demonstrating its impact on protein function have been reported. ClinVar contains an entry for this variant (Variation ID: 2097707). Based on the evidence outlined above, the variant was classified as uncertain significance.

Labcorp Genetics (formerly Invitae), Labcorp
Classification: Uncertain significance. Last evaluated: 2025-12-16. Review status: criteria provided, single submitter. Criteria: Invitae Variant Classification Sherloc (09022015). Collection method: clinical testing. Allele origin: germline.
Comment: This sequence change replaces valine, which is neutral and non-polar, with isoleucine, which is neutral and non-polar, at codon 1336 of the COL4A1 protein (p.Val1336Ile). This variant is present in population databases (rs202209298, gnomAD 0.03%). This variant has not been reported in the literature in individuals affected with COL4A1-related conditions. ClinVar contains an entry for this variant (Variation ID: 2097707). Invitae Evidence Modeling of protein sequence and biophysical properties (such as structural, functional, and spatial information, amino acid conservation, physicochemical variation, residue mobility, and thermodynamic stability) indicates that this missense variant is not expected to disrupt COL4A1 protein function with a negative predictive value of 95%. In summary, the available evidence is currently insufficient to determine the role of this variant in disease. Therefore, it has been classified as a Variant of Uncertain Significance.

CeGaT Center for Human Genetics Tuebingen
Classification: Likely benign. Last evaluated: 2025-06-01. Review status: criteria provided, single submitter. Criteria: CeGaT Center For Human Genetics Tuebingen Variant Classification Criteria Version 2. Collection method: clinical testing. Allele origin: germline. Affected: yes. Observed: 3 variant alleles.
Comment: COL4A1: BP4

Ambry Genetics
Classification: Likely benign for Inborn genetic diseases. Last evaluated: 2025-02-03. Review status: criteria provided, single submitter. Criteria: Ambry Variant Classification Scheme 2023. Collection method: clinical testing. Allele origin: germline.

Blueprint Genetics
Classification: Likely benign. Last evaluated: 2024-11-06. Review status: criteria provided, single submitter. Criteria: ACMG Guidelines, 2015. Collection method: clinical testing. Allele origin: germline.

Fulgent Genetics
Classification: Likely benign for Brain small vessel disease 1 with or without ocular anomalies; Retinal arterial tortuosity; Autosomal dominant familial hematuria-retinal arteriolar tortuosity-contractures syndrome; Hemorrhage, intracerebral, susceptibility to; Microangiopathy and leukoencephalopathy, pontine, autosomal dominant. Last evaluated: 2024-03-21. Review status: criteria provided, single submitter. Criteria: ACMG Guidelines, 2015. Collection method: clinical testing. Allele origin: germline.

Revvity Omics, Revvity
Classification: Uncertain significance. Last evaluated: 2021-04-19. Review status: criteria provided, single submitter. Criteria: ACMG Guidelines, 2015. Collection method: clinical testing. Allele origin: germline.

Literature cited by the submitters: PubMed 28518168 (cited by Ambry Genetics); PubMed 32461654 (cited by Ambry Genetics); PubMed 36413997 (cited by Ambry Genetics).